The following is an entry in ClinVar:

ClinVar aggregate classification (germline): Benign/Likely benign. Review status: criteria provided, multiple submitters, no conflicts (2 of 4 stars). 3 submissions from 3 submitters: Benign (1); Likely benign (2). Last evaluated 2025-08-31.

Conditions:
Hereditary cancer-predisposing syndrome. Also called: Hereditary Cancer Syndrome; Hereditary neoplastic syndrome; Neoplastic Syndromes, Hereditary; Tumor predisposition. Identifiers: Orphanet 140162, MedGen C0027672, MeSH D009386, MONDO:0015356.
POLD1-related polyposis and colorectal cancer syndrome (CRCS10). Also called: Colorectal cancer, susceptibility to, 10; Colorectal cancer 10; COLORECTAL CANCER, SUSCEPTIBILITY TO, ON CHROMOSOME 19q. Identifiers: Orphanet 220460, MedGen C2675481, MONDO:0012953, OMIM 612591.

Allele frequency attached by ClinVar (database versions not stated): TOPMed 0.00001.

Submissions (3):

Labcorp Genetics (formerly Invitae), Labcorp
Classification: Likely benign for POLD1-related polyposis and colorectal cancer syndrome. Last evaluated: 2025-08-31. Review status: criteria provided, single submitter. Criteria: Invitae Variant Classification Sherloc (09022015). Collection method: clinical testing. Allele origin: germline.

Myriad Genetics, Inc.
Classification: Benign for POLD1-related polyposis and colorectal cancer syndrome. Last evaluated: 2025-02-07. Review status: criteria provided, single submitter. Criteria: Myriad Autosomal Dominant, Autosomal Recessive and X-Linked Classification Criteria (2023). Collection method: clinical testing. Allele origin: unknown.
Comment: This variant is considered benign. This variant is a silent/synonymous amino acid change and it is not expected to impact splicing.

Ambry Genetics
Classification: Likely benign for Hereditary cancer-predisposing syndrome. Last evaluated: 2019-10-31. Review status: criteria provided, single submitter. Criteria: Ambry Variant Classification Scheme 2023. Collection method: clinical testing. Allele origin: germline.

NM_002691.4(POLD1):c.1653G>A (p.Gln551=)

Gene: POLD1 (DNA polymerase delta 1, catalytic subunit; plus strand). Cytogenetic location: 19q13.33.
Variant type: single nucleotide variant.
Coding change: c.1653G>A on transcript NM_002691.4 (MANE Select); coding-DNA position 1653, G replaced by A.
Protein change: p.Gln551=; no amino-acid change (glutamine 551 retained).
Molecular consequence: synonymous variant. On other transcripts: non-coding transcript variant (1).
Genome position (GRCh38, 1-based): chr19:50,407,141, G>A. VCF-style: chr19-50407141-G-A. GRCh37 (hg19) VCF-style: chr19-50910398-G-A.
Other names: c.1653G>A, p.Gln551= (NM_001256849.1, NM_001308632.1).
Identifiers: ClinVar variation 761335 (VCV000761335.11), dbSNP rs919580802, ClinGen allele CA309601829.